The following is an entry in ClinVar:

ClinVar aggregate classification (germline): Pathogenic (1 of 4 stars; one submission).

Submission:

Labcorp Genetics (formerly Invitae), Labcorp
Classification: Pathogenic. Last evaluated: 2023-05-19. Review status: criteria provided, single submitter. Criteria: Invitae Variant Classification Sherloc (09022015). Collection method: clinical testing. Allele origin: germline.
Comment: This sequence change creates a premature translational stop signal (p.Arg1475Serfs*26) in the ITGB4 gene. It is expected to result in an absent or disrupted protein product. Loss-of-function variants in ITGB4 are known to be pathogenic (PMID: 11328943, 16473856). This variant is not present in population databases (gnomAD no frequency). This premature translational stop signal has been observed in individual(s) with epidermolysis bullosa with pyloric atresia (PMID: 9792864). This variant is also known as 4791delCA. For these reasons, this variant has been classified as Pathogenic.

Literature cited by the submitters: PubMed 11328943; PubMed 16473856; PubMed 9792864.

NM_000213.5(ITGB4):c.4632_4633del (p.Arg1545fs)

Genes: GALK1 (galactokinase 1; minus strand), ITGB4 (integrin subunit beta 4; plus strand). Cytogenetic location: 17q25.1.
Variant type: Deletion.
Coding change: c.4632_4633del on transcript NM_000213.5 (MANE Select); coding-DNA positions 4632 to 4633, 2 bases deleted (CA; older notation c.4632_4633delCA).
Protein change: p.Arg1545fs; shifts the reading frame from arginine 1545.
Molecular consequence: frameshift variant. On other transcripts: intron variant (2).
Genome position (GRCh38, 1-based): chr17:75,755,774-75,755,775, CA deleted. VCF-style (leftmost placement, unchanged base first): chr17-75755773-TCA-T. GRCh37 (hg19) VCF-style: chr17-73751854-TCA-T.
Other names: c.4581_4582del, p.Arg1528fs (NM_001005619.2); c.4422_4423del, p.Arg1475fs (NM_001005731.3, NM_001321123.2); c.4349-655_4349-654del (NM_001438834.1); c.*22+2259_*22+2260del (NM_001381985.1); short protein forms R1528fs, R1545fs, R1475fs.
Identifiers: ClinVar variation 2736652 (VCV002736652.3), dbSNP rs2545879408, ClinGen allele CA2695226957.